The following is an entry in ClinVar:

ClinVar aggregate classification (germline): Uncertain significance (1 of 4 stars; one submission).

Conditions:
Glaucoma 1, open angle, E. Identifiers: MedGen C1842026, MONDO:0007665.
Primary open angle glaucoma (POAG). Also called: OPTN-related open angle glaucoma. Identifiers: MedGen C0339573, MONDO:0100553, OMIM 137760.
Amyotrophic lateral sclerosis type 12 (ALS12). Also called: AMYOTROPHIC LATERAL SCLEROSIS 12 WITH OR WITHOUT FRONTOTEMPORAL DEMENTIA. Identifiers: Orphanet 803, MedGen C3150692, MONDO:0013264, OMIM 613435.

Submission:

Labcorp Genetics (formerly Invitae), Labcorp
Classification: Uncertain significance for Primary open angle glaucoma; Glaucoma 1, open angle, E; Amyotrophic lateral sclerosis type 12. Last evaluated: 2022-05-18. Review status: criteria provided, single submitter. Criteria: Invitae Variant Classification Sherloc (09022015). Collection method: clinical testing. Allele origin: germline.
Comment: In summary, the available evidence is currently insufficient to determine the role of this variant in disease. Therefore, it has been classified as a Variant of Uncertain Significance. Algorithms developed to predict the effect of sequence changes on RNA splicing suggest that this variant may create or strengthen a splice site. This variant has not been reported in the literature in individuals affected with OPTN-related conditions. This variant is not present in population databases (gnomAD no frequency). This sequence change falls in intron 6 of the OPTN gene. It does not directly change the encoded amino acid sequence of the OPTN protein.

NM_001008212.2(OPTN):c.779+8A>G

Gene: OPTN (optineurin; plus strand). Cytogenetic location: 10p13.
Variant type: single nucleotide variant.
Coding change: c.779+8A>G on transcript NM_001008212.2 (MANE Select); 8 bases into the intron after coding-DNA position 779, A replaced by G.
Molecular consequence: intron variant.
Genome position (GRCh38, 1-based): chr10:13,119,048, A>G. VCF-style: chr10-13119048-A-G. GRCh37 (hg19) VCF-style: chr10-13161048-A-G.
Other names: c.779+8A>G (NM_001008211.1, NM_001008213.1, NM_021980.4).
Identifiers: ClinVar variation 1995948 (VCV001995948.4), dbSNP rs2539056539, ClinGen allele CA2580081338.
Genomic context (GRCh38, chr10:13,119,048, plus strand): 5'-GGGAATCAGAAGGTGGAGAGACTTGAAGTTGCACTCAAGGAGGCCAAAGAAAGGTATGAA[A>G]TAGGTTAACTTGAAATATGTGTTTTTTTAAAACAGCTTTCCTGAGATATAATTAAGATAC-3'